The following is an entry in ClinVar:

NM_032242.4(PLXNA1):c.3337G>C (p.Val1113Leu)

Gene: PLXNA1 (plexin A1; plus strand). Cytogenetic location: 3q21.3.
Variant type: single nucleotide variant.
Coding change: c.3337G>C on transcript NM_032242.4 (MANE Select); coding-DNA position 3337, G replaced by C.
Protein change: p.Val1113Leu; replaces valine 1113 with leucine.
Molecular consequence: missense variant.
Genome position (GRCh38, 1-based): chr3:127,017,485, G>C. VCF-style: chr3-127017485-G-C. GRCh37 (hg19) VCF-style: chr3-126736328-G-C.
Other names: short protein forms V1113L.
Identifiers: ClinVar variation 3048819 (VCV003048819.4), dbSNP rs575343383, ClinGen allele CA2593986.

ClinVar aggregate classification (germline): Likely benign. Review status: criteria provided, multiple submitters, no conflicts (2 of 4 stars). 3 submissions from 3 submitters: Likely benign (2). 1 of the submissions does not count toward it. Last evaluated 2026-08-01.

Conditions:
PLXNA1-related disorder. Also called: PLXNA1-related condition.

Allele frequency attached by ClinVar (database versions not stated): TOPMed 0.00014; gnomAD 0.00019; 1000 Genomes Project 30x 0.00172; 1000 Genomes Project 0.00180.
gnomAD v4.1: 231 of 1,613,504 alleles (0.014%); highest among the groups gnomAD compares: East Asian, 0.48%; no homozygotes.

Submissions (3):

CeGaT Center for Human Genetics Tuebingen
Classification: Likely benign. Last evaluated: 2026-08-01. Review status: criteria provided, single submitter. Criteria: CeGaT Center For Human Genetics Tuebingen Variant Classification Criteria Version 2. Collection method: clinical testing. Allele origin: germline. Affected: yes. Observed: 1 variant allele.
Comment: PLXNA1: BP4

Labcorp Genetics (formerly Invitae), Labcorp
Classification: Likely benign. Last evaluated: 2026-01-20. Review status: criteria provided, single submitter. Criteria: Invitae Variant Classification Sherloc (09022015). Collection method: clinical testing. Allele origin: germline.

PreventionGenetics, part of Exact Sciences
Classification: Likely benign for PLXNA1-related condition. Last evaluated: 2022-11-28. Review status: no assertion criteria provided. Collection method: clinical testing. Allele origin: germline. Not counted in ClinVar's aggregate classification.
Comment: This variant is classified as likely benign based on ACMG/AMP sequence variant interpretation guidelines (Richards et al. 2015 PMID: 25741868, with internal and published modifications).